The following is an entry in ClinVar:

NM_002907.4(RECQL):c.1729A>C (p.Asn577His)

Genes: PYROXD1 (pyridine nucleotide-disulphide oxidoreductase domain 1; plus strand), RECQL (RecQ like helicase; minus strand). Cytogenetic location: 12p12.1.
Variant type: single nucleotide variant.
Coding change: c.1729A>C on transcript NM_002907.4 (MANE Select); coding-DNA position 1729, A replaced by C.
Protein change: p.Asn577His; replaces asparagine 577 with histidine.
Molecular consequence: missense variant. On other transcripts: 3 prime UTR variant (3).
Genome position (GRCh38, 1-based): chr12:21,471,037, T>G on the plus strand (A>C on the coding strand, the complement: RECQL is on the minus strand). VCF-style: chr12-21471037-T-G. GRCh37 (hg19) VCF-style: chr12-21623971-T-G.
Other names: c.*2283T>G (NM_001350913.2, NM_024854.5, NM_001350912.2); c.1729A>C, p.Asn577His (NM_032941.3); short protein forms N577H.
Identifiers: ClinVar variation 1778920 (VCV001778920.9), dbSNP rs778917415, ClinGen allele CA6478664.

ClinVar aggregate classification (germline): Uncertain significance. Review status: criteria provided, multiple submitters, no conflicts (2 of 4 stars). 2 submissions from 2 submitters: Uncertain significance (2). Last evaluated 2025-08-23.

Allele frequency attached by ClinVar (database versions not stated): ExAC 0.00001; gnomAD 0.00001; gnomAD exomes 0.00001; TOPMed 0.00002.
gnomAD v4.1: 9 of 1,601,756 alleles (0.00056%); highest among the groups gnomAD compares: Middle Eastern, 0.017%; no homozygotes.

Submissions (2):

Ambry Genetics
Classification: Uncertain significance. Last evaluated: 2025-08-23. Review status: criteria provided, single submitter. Criteria: Ambry Variant Classification Scheme 2023. Collection method: clinical testing. Allele origin: germline.

Labcorp Genetics (formerly Invitae), Labcorp
Classification: Uncertain significance. Last evaluated: 2024-11-17. Review status: criteria provided, single submitter. Criteria: Invitae Variant Classification Sherloc (09022015). Collection method: clinical testing. Allele origin: germline.
Comment: This sequence change replaces asparagine, which is neutral and polar, with histidine, which is basic and polar, at codon 577 of the RECQL protein (p.Asn577His). This variant is present in population databases (rs778917415, gnomAD 0.0009%). This variant has not been reported in the literature in individuals affected with RECQL-related conditions. ClinVar contains an entry for this variant (Variation ID: 1778920). Invitae Evidence Modeling of protein sequence and biophysical properties (such as structural, functional, and spatial information, amino acid conservation, physicochemical variation, residue mobility, and thermodynamic stability) indicates that this missense variant is not expected to disrupt RECQL protein function with a negative predictive value of 80%. In summary, the available evidence is currently insufficient to determine the role of this variant in disease. Therefore, it has been classified as a Variant of Uncertain Significance.